The following is an entry in ClinVar:

NM_016148.5(SHANK1):c.1369G>T (p.Ala457Ser)

Gene: SHANK1 (SH3 and multiple ankyrin repeat domains 1; minus strand). Cytogenetic location: 19q13.33.
Variant type: single nucleotide variant.
Coding change: c.1369G>T on transcript NM_016148.5 (MANE Select); coding-DNA position 1369, G replaced by T.
Protein change: p.Ala457Ser; replaces alanine 457 with serine.
Molecular consequence: missense variant.
Genome position (GRCh38, 1-based): chr19:50,703,684, C>A on the plus strand (G>T on the coding strand, the complement: SHANK1 is on the minus strand). VCF-style: chr19-50703684-C-A. GRCh37 (hg19) VCF-style: chr19-51206941-C-A.
Other names: short protein forms A457S.
Identifiers: ClinVar variation 2573667 (VCV002573667.1), dbSNP rs368400281, ClinGen allele CA407035833.

ClinVar aggregate classification (germline): Uncertain significance (1 of 4 stars; one submission).

Submission:

GeneDx
Classification: Uncertain significance. Last evaluated: 2023-01-21. Review status: criteria provided, single submitter. Criteria: GeneDx Variant Classification Process June 2021. Collection method: clinical testing. Allele origin: germline. Affected: yes.
Comment: Not observed at significant frequency in large population cohorts (gnomAD); In silico analysis supports that this missense variant does not alter protein structure/function; Has not been previously published as pathogenic or benign to our knowledge